The following is an entry in ClinVar:

ClinVar aggregate classification (germline): Likely benign. Review status: criteria provided, multiple submitters, no conflicts (2 of 4 stars). 4 submissions from 4 submitters: Likely benign (4). Last evaluated 2026-06-26.

Conditions:
Sessile serrated polyposis cancer syndrome (SSPCS). Identifiers: Orphanet 157798, MedGen C4310714, MONDO:0014919, OMIM 617108.

Allele frequency attached by ClinVar (database versions not stated): gnomAD 0.00001; TOPMed 0.00001; gnomAD exomes 0.00004 and 0.00007; ExAC 0.00005.
gnomAD v4.1: 100 of 1,569,942 alleles (0.0064%); highest among the groups gnomAD compares: Non-Finnish European, 0.0081%; no homozygotes.

Submissions (4):

Myriad Genetics, Inc.
Classification: Likely benign for Sessile serrated polyposis cancer syndrome. Last evaluated: 2026-06-26. Review status: criteria provided, single submitter. Criteria: Myriad Autosomal Dominant, Autosomal Recessive and X-Linked Classification Criteria (2023). Collection method: clinical testing. Allele origin: unknown.
Comment: This variant is considered likely benign. This variant is intronic and is not expected to impact mRNA splicing.

Labcorp Genetics (formerly Invitae), Labcorp
Classification: Likely benign. Last evaluated: 2026-01-06. Review status: criteria provided, single submitter. Criteria: Invitae Variant Classification Sherloc (09022015). Collection method: clinical testing. Allele origin: germline.

CeGaT Center for Human Genetics Tuebingen
Classification: Likely benign. Last evaluated: 2025-06-01. Review status: criteria provided, single submitter. Criteria: CeGaT Center For Human Genetics Tuebingen Variant Classification Criteria Version 2. Collection method: clinical testing. Allele origin: germline. Affected: yes. Observed: 1 variant allele.
Comment: RNF43: BP4, BS1

Ambry Genetics
Classification: Likely benign. Last evaluated: 2025-03-15. Review status: criteria provided, single submitter. Criteria: Ambry Variant Classification Scheme 2023. Collection method: clinical testing. Allele origin: germline.

NM_017763.6(RNF43):c.253-4G>A

Gene: RNF43 (ring finger protein 43; minus strand). Cytogenetic location: 17q22.
Variant type: single nucleotide variant.
Coding change: c.253-4G>A on transcript NM_017763.6 (MANE Select); 4 bases into the intron before coding-DNA position 253, G replaced by A.
Molecular consequence: intron variant.
Genome position (GRCh38, 1-based): chr17:58,371,037, C>T on the plus strand (G>A on the coding strand, the complement: RNF43 is on the minus strand). VCF-style: chr17-58371037-C-T. GRCh37 (hg19) VCF-style: chr17-56448398-C-T.
Other names: c.253-4G>A (NM_001438822.1, NM_001305544.3, NM_001438820.1 and 1 more transcripts); c.-129-4G>A (NM_001305545.2, NM_001437987.1).
Identifiers: ClinVar variation 1458363 (VCV001458363.18), dbSNP rs769116938, ClinGen allele CA8673479.